The following is an entry in ClinVar:

ClinVar aggregate classification (germline): Likely pathogenic (1 of 4 stars; one submission).

Conditions:
Epileptic encephalopathy. Identifiers: MedGen C0543888, HP:0200134.

gnomAD v4.1: 1 of 1,613,994 alleles (0.000062%); highest among the groups gnomAD compares: Non-Finnish European, 0.000085%; no homozygotes.

Submission:

Unidad de Genómica Garrahan, Hospital de Pediatría Garrahan
Classification: Likely pathogenic for Epileptic encephalopathy. Last evaluated: 2024-01-01. Review status: criteria provided, single submitter. Criteria: ACMG Guidelines, 2015. Collection method: clinical testing. Allele origin: paternal. Affected: yes. Observed: 1 variant allele.
Comment: Heterozygous. ACMG/AMP criteria applied: PM1_moderate, PM2_moderate, PP2_supporting, PP3_supporting.

NM_000814.6(GABRB3):c.782C>T (p.Ser261Leu)

Gene: GABRB3 (gamma-aminobutyric acid type A receptor subunit beta3; minus strand). Cytogenetic location: 15q12.
Variant type: single nucleotide variant.
Coding change: c.782C>T on transcript NM_000814.6 (MANE Select); coding-DNA position 782, C replaced by T.
Protein change: p.Ser261Leu; replaces serine 261 with leucine.
Molecular consequence: missense variant.
Genome position (GRCh38, 1-based): chr15:26,567,634, G>A on the plus strand (C>T on the coding strand, the complement: GABRB3 is on the minus strand). VCF-style: chr15-26567634-G-A. GRCh37 (hg19) VCF-style: chr15-26812781-G-A.
Other names: NP_000805.1:p.(Ser261Leu); c.527C>T, p.Ser176Leu (NM_001191320.2, NM_001278631.2); c.569C>T, p.Ser190Leu (NM_001191321.3); c.782C>T, p.Ser261Leu (NM_021912.5); short protein forms S176L, S190L, S261L.
Identifiers: ClinVar variation 2687756 (VCV002687756.3), dbSNP rs2504172275, ClinGen allele CA391463156.
Genomic context (GRCh38, chr15:26,567,634, plus strand): 5'-CACATACCGAGGGCAACTCTAGCAGCAGATGCATCATAATTGATCCAGAAGGACACCCAC[G>A]ACAGAATCGTTATCAGTATAGAGGGCATATAAGTCTGAAGAATGAAGTATCCAATGTTCC-3'
Protein context (NP_000805.1, residues 251-271): YMPSILITIL[Ser261Leu]WVSFWINYDA